The following is an entry in ClinVar:

NM_001134363.3(RBM20):c.1364C>T (p.Ser455Leu)

Gene: RBM20 (RNA binding motif protein 20; plus strand). Cytogenetic location: 10q25.2.
Variant type: single nucleotide variant.
Coding change: c.1364C>T on transcript NM_001134363.3 (MANE Select); coding-DNA position 1364, C replaced by T.
Protein change: p.Ser455Leu; replaces serine 455 with leucine.
Molecular consequence: missense variant.
Genome position (GRCh38, 1-based): chr10:110,784,367, C>T. VCF-style: chr10-110784367-C-T. GRCh37 (hg19) VCF-style: chr10-112544125-C-T.
Other names: p.S455L:TCG>TTG; short protein forms S455L.
Identifiers: ClinVar variation 43971 (VCV000043971.73), dbSNP rs189569984, ClinGen allele CA133267.

ClinVar aggregate classification (germline): Benign/Likely benign. Review status: criteria provided, multiple submitters, no conflicts (2 of 4 stars). 21 submissions from 21 submitters: Benign (9); Likely benign (6). 6 of the submissions do not count toward it. Last evaluated 2026-09-01.

Conditions:
Cardiovascular phenotype. Identifiers: MedGen CN230736.
Cardiomyopathy (CMYO). Also called: Cardiomyopathies. Identifiers: Orphanet 167848, MedGen C0878544, MONDO:0004994, HP:0001638. Inheritance: Various modes of inheritance.
Long QT syndrome (LQTS). Identifiers: MedGen C0023976, MeSH D008133, MONDO:0002442. Disease mechanism: loss of function. Inheritance: Various modes of inheritance.
Primary dilated cardiomyopathy (DCM). Also called: Dilated Cardiomyopathy. Identifiers: Orphanet 217604, MedGen C0007193, MeSH D002311, MONDO:0005021, HP:0001644. Inheritance: Various modes of inheritance.
Dilated cardiomyopathy 1DD (CMD1DD). Identifiers: Orphanet 154, MedGen C2750995, MONDO:0013168, OMIM 613172.

Allele frequency attached by ClinVar (database versions not stated): 1000 Genomes Project 0.00200; gnomAD exomes 0.00718 and 0.00560; ESP Exome Variant Server 0.00723; gnomAD 0.00529 and 0.00554; 1000 Genomes Project 30x 0.00156; ExAC 0.00483; TOPMed 0.00562.
gnomAD v4.1: 10,905 of 1,551,030 alleles (0.7%); highest among the groups gnomAD compares: Non-Finnish European, 0.81%; 58 homozygotes.

Submissions (21):

CeGaT Center for Human Genetics Tuebingen
Classification: Likely benign. Last evaluated: 2026-09-01. Review status: criteria provided, single submitter. Criteria: CeGaT Center For Human Genetics Tuebingen Variant Classification Criteria Version 2. Collection method: clinical testing. Allele origin: germline. Affected: yes. Observed: 58 variant alleles.
Comment: RBM20: BP4, BS2

Labcorp Genetics (formerly Invitae), Labcorp
Classification: Benign for Dilated cardiomyopathy 1DD. Last evaluated: 2026-02-04. Review status: criteria provided, single submitter. Criteria: Invitae Variant Classification Sherloc (09022015). Collection method: clinical testing. Allele origin: germline.

Blueprint Genetics
Classification: Likely benign. Last evaluated: 2024-11-26. Review status: criteria provided, single submitter. Criteria: ACMG Guidelines, 2015. Collection method: clinical testing. Allele origin: germline.

ARUP Laboratories, Molecular Genetics and Genomics, ARUP Laboratories
Classification: Likely benign for Dilated cardiomyopathy 1DD. Last evaluated: 2024-10-03. Review status: criteria provided, single submitter. Criteria: ARUP Molecular Germline Variant Investigation Process 2024. Collection method: clinical testing. Allele origin: germline.

Molecular Genetics, Royal Melbourne Hospital
Classification: Benign for Cardiomyopathy. Last evaluated: 2023-10-06. Review status: criteria provided, single submitter. Criteria: ACMG Guidelines, 2015. Collection method: clinical testing. Allele origin: germline. Inheritance: Autosomal dominant inheritance.

Mayo Clinic Laboratories, Mayo Clinic
Classification: Benign. Last evaluated: 2022-05-27. Review status: criteria provided, single submitter. Criteria: ACMG Guidelines, 2015. Collection method: clinical testing. Allele origin: germline. Observed: 12 variant alleles.
Comment: BS1, BS2

Women's Health and Genetics/Laboratory Corporation of America, LabCorp
Classification: Benign. Last evaluated: 2019-08-26. Review status: criteria provided, single submitter. Criteria: LabCorp Variant Classification Summary - May 2015. Collection method: clinical testing. Allele origin: germline.
Comment: Variant summary: RBM20 c.1364C>T (p.Ser455Leu) results in a non-conservative amino acid change in the encoded protein sequence. Three of five in-silico tools predict a benign effect of the variant on protein function. The variant allele was found at a frequency of 0.0056 in 153884 control chromosomes, including 5 homozygotes (gnomAD). The variant was observed with even higher frequency within Non-Finnish European control individuals (0.0078) that is approximately 300 fold of the estimated maximal expected allele frequency for a pathogenic variant in RBM20 causing Cardiomyopathy phenotype (2.5e-05), strongly suggesting that the variant is a benign polymorphism. Six clinical diagnostic laboratories have submitted clinical-significance assessments for this variant to ClinVar after 2014 without evidence for independent evaluation, and all of them classified the variant as benign (4x) / likely benign (2x). Based on the evidence outlined above, the variant was classified as benign.

Center for Advanced Laboratory Medicine, UC San Diego Health, University of California San Diego
Classification: Benign for Long QT Syndrome. Last evaluated: 2018-05-15. Review status: criteria provided, single submitter. Criteria: ACMG Guidelines, 2015. Collection method: clinical testing. Allele origin: germline. Affected: yes. Observed: 1 variant allele.

CHEO Genetics Diagnostic Laboratory, Children's Hospital of Eastern Ontario
Classification: Benign for Cardiomyopathy. Last evaluated: 2017-10-19. Review status: criteria provided, single submitter. Criteria: ACMG Guidelines, 2015. Collection method: clinical testing. Allele origin: germline. Study: Canadian Open Genetics Repository.

Illumina Laboratory Services, Illumina
Classification: Likely benign for Dilated cardiomyopathy 1DD. Last evaluated: 2017-04-27. Review status: criteria provided, single submitter. Criteria: ICSL Variant Classification Criteria 13 December 2019. Collection method: clinical testing. Allele origin: germline.
Comment: This variant was observed as part of a predisposition screen in an ostensibly healthy population. A literature search was performed for the gene, cDNA change, and amino acid change (where applicable). No publications were found based on this search. Allele frequency data from public databases allowed determination this variant is unlikely to cause disease. Therefore, this variant is classified as likely benign.

GeneDx
Classification: Benign. Last evaluated: 2016-09-07. Review status: criteria provided, single submitter. Criteria: GeneDx Variant Classification (06012015). Collection method: clinical testing. Allele origin: germline. Affected: yes.
Comment: This variant is considered likely benign or benign based on one or more of the following criteria: it is a conservative change, it occurs at a poorly conserved position in the protein, it is predicted to be benign by multiple in silico algorithms, and/or has population frequency not consistent with disease.

Molecular Diagnostic Laboratory for Inherited Cardiovascular Disease, Montreal Heart Institute
Classification: Likely benign. Last evaluated: 2016-07-26. Review status: criteria provided, single submitter. Criteria: ACMG Guidelines, 2015. Collection method: clinical testing. Allele origin: germline. Affected: yes.

Ambry Genetics
Classification: Benign for Cardiovascular phenotype. Last evaluated: 2016-03-03. Review status: criteria provided, single submitter. Criteria: Ambry Variant Classification Scheme 2023. Collection method: clinical testing. Allele origin: germline.

Laboratory for Molecular Medicine, Mass General Brigham Personalized Medicine
Classification: Likely benign. Last evaluated: 2012-03-16. Review status: criteria provided, single submitter. Criteria: LMM Criteria. Collection method: clinical testing. Allele origin: germline. Observed: 19 variant alleles.
Comment: p.Ser455Leu in exon 4 of RBM20: This variant has been reported in one individual with DCM and was absent in 1000 Caucasian and 200 African American control chro mosomes (Refaat 2011). However, this variant is not expected to have clinical si gnificance because it has been identified in 1.1% (27/2532) of European American chromosomes from a broad population by the NHLBI Exome Sequencing Project.

PreventionGenetics, part of Exact Sciences
Classification: Benign. Review status: criteria provided, single submitter. Criteria: ACMG Guidelines, 2015. Collection method: clinical testing. Allele origin: germline.

CSER _CC_NCGL, University of Washington
Classification: Uncertain significance for Cardiomyopathy, dilated. Last evaluated: 2014-06-01. Review status: no assertion criteria provided. Collection method: research. Allele origin: germline. Inheritance: Autosomal dominant inheritance. Study: ESP 6500 variant annotation. Not counted in ClinVar's aggregate classification.
Comment: Variants classified for the Actionable exomic incidental findings in 6503 participants: challenges of variant classification manuscript

Clinical Genetics DNA and cytogenetics Diagnostics Lab, Erasmus MC, Erasmus Medical Center
Classification: Benign. Review status: no assertion criteria provided. Collection method: clinical testing. Allele origin: germline. Affected: yes. Study: VKGL Data-share Consensus. Not counted in ClinVar's aggregate classification.

Clinical Genetics, Academic Medical Center
Classification: Benign. Review status: no assertion criteria provided. Collection method: clinical testing. Allele origin: germline. Affected: yes. Study: VKGL Data-share Consensus. Not counted in ClinVar's aggregate classification.

Diagnostic Laboratory, Department of Genetics, University Medical Center Groningen
Classification: Likely benign for Dilated cardiomyopathy 1DD. Review status: no assertion criteria provided. Collection method: clinical testing. Allele origin: germline. Affected: yes. Study: VKGL Data-share Consensus. Not counted in ClinVar's aggregate classification.

Genome Diagnostics Laboratory, University Medical Center Utrecht
Classification: Benign. Review status: no assertion criteria provided. Collection method: clinical testing. Allele origin: germline. Affected: yes. Study: VKGL Data-share Consensus. Not counted in ClinVar's aggregate classification.

Joint Genome Diagnostic Labs from Nijmegen and Maastricht, Radboudumc and MUMC+
Classification: Benign. Review status: no assertion criteria provided. Collection method: clinical testing. Allele origin: germline. Affected: yes. Study: VKGL Data-share Consensus. Not counted in ClinVar's aggregate classification.

Literature cited by the submitters: PubMed 22004663 (cited by Laboratory for Molecular Medicine, Mass General Brigham Personalized Medicine).